The following is an entry in ClinVar:

NM_005002.5(NDUFA9):c.608C>T (p.Pro203Leu)

Gene: NDUFA9 (NADH:ubiquinone oxidoreductase subunit A9; plus strand). Cytogenetic location: 12p13.32.
Variant type: single nucleotide variant.
Coding change: c.608C>T on transcript NM_005002.5 (MANE Select); coding-DNA position 608, C replaced by T.
Protein change: p.Pro203Leu; replaces proline 203 with leucine.
Molecular consequence: missense variant.
Genome position (GRCh38, 1-based): chr12:4,662,588, C>T. VCF-style: chr12-4662588-C-T. GRCh37 (hg19) VCF-style: chr12-4771754-C-T.
Other names: short protein forms P203L.
Identifiers: ClinVar variation 3683930 (VCV003683930.2).
Genomic context (GRCh38, chr12:4,662,588, plus strand): 5'-TTTAGGCTGTTGGAGAGAAAGTAGTGAGAGATGCATTTCCGGAAGCCATTATCGTAAAGC[C>T]GTCGGACATCTTTGGAAGAGAGGATAGATTCCTTAATTCTTTTGCAAGTACGTATTCTTT-3'
Protein context (NP_004993.1, residues 193-213): DAFPEAIIVK[Pro203Leu]SDIFGREDRF

ClinVar aggregate classification (germline): Uncertain significance (1 of 4 stars; one submission).

gnomAD v4.1: 27 of 1,613,746 alleles (0.0017%); highest among the groups gnomAD compares: East Asian, 0.0045%; no homozygotes.

Submission:

Labcorp Genetics (formerly Invitae), Labcorp
Classification: Uncertain significance. Last evaluated: 2024-02-23. Review status: criteria provided, single submitter. Criteria: Invitae Variant Classification Sherloc (09022015). Collection method: clinical testing. Allele origin: germline.
Comment: This sequence change replaces proline, which is neutral and non-polar, with leucine, which is neutral and non-polar, at codon 203 of the NDUFA9 protein (p.Pro203Leu). This variant is present in population databases (rs766697773, gnomAD 0.01%). This variant has not been reported in the literature in individuals affected with NDUFA9-related conditions. An algorithm developed to predict the effect of missense changes on protein structure and function (PolyPhen-2) suggests that this variant is likely to be disruptive. In summary, the available evidence is currently insufficient to determine the role of this variant in disease. Therefore, it has been classified as a Variant of Uncertain Significance.